The following is an entry in ClinVar:

ClinVar aggregate classification (germline): Pathogenic (1 of 4 stars; one submission).

Submission:

Labcorp Genetics (formerly Invitae), Labcorp
Classification: Pathogenic. Last evaluated: 2023-03-16. Review status: criteria provided, single submitter. Criteria: Invitae Variant Classification Sherloc (09022015). Collection method: clinical testing. Allele origin: germline.
Comment: This sequence change creates a premature translational stop signal (p.Met336Asnfs*5) in the MUT gene. It is expected to result in an absent or disrupted protein product. Loss-of-function variants in MUT are known to be pathogenic (PMID: 15781192). This variant is not present in population databases (gnomAD no frequency). This variant has not been reported in the literature in individuals affected with MUT-related conditions. For these reasons, this variant has been classified as Pathogenic.

Literature cited by the submitters: PubMed 15781192.

NM_000255.4(MMUT):c.1006dup (p.Met336fs)

Gene: MMUT (methylmalonyl-CoA mutase; minus strand). Cytogenetic location: 6p12.3.
Variant type: Duplication.
Coding change: c.1006dup on transcript NM_000255.4 (MANE Select); coding-DNA position 1006, one base duplicated (A; older notation c.1006dupA).
Protein change: p.Met336fs; shifts the reading frame from methionine 336.
Molecular consequence: frameshift variant.
Genome position (GRCh38, 1-based): chr6:49,453,662, T duplicated on the plus strand (A on the coding strand, the reverse complement: MMUT is on the minus strand); the first of 4 consecutive T bases (chr6:49,453,662-49,453,665); duplicating any one gives the same sequence. VCF-style (leftmost placement, unchanged base first): chr6-49453661-A-AT. GRCh37 (hg19) VCF-style: chr6-49421374-A-AT.
Other names: short protein forms M336fs.
Identifiers: ClinVar variation 2816044 (VCV002816044.3), dbSNP rs2481339003, ClinGen allele CA2739273132.